The following is an entry in ClinVar:

ClinVar aggregate classification (germline): Uncertain significance (1 of 4 stars; one submission).

Submission:

CeGaT Center for Human Genetics Tuebingen
Classification: Uncertain significance. Last evaluated: 2026-05-01. Review status: criteria provided, single submitter. Criteria: CeGaT Center For Human Genetics Tuebingen Variant Classification Criteria Version 2. Collection method: clinical testing. Allele origin: germline. Affected: yes. Observed: 1 variant allele.
Comment: MYO18B: PM2, BP4

NM_032608.7(MYO18B):c.6992C>T (p.Ser2331Leu)

Gene: MYO18B (myosin XVIIIB; plus strand). Cytogenetic location: 22q12.1.
Variant type: single nucleotide variant.
Coding change: c.6992C>T on transcript NM_032608.7 (MANE Select); coding-DNA position 6992, C replaced by T.
Protein change: p.Ser2331Leu; replaces serine 2331 with leucine.
Molecular consequence: missense variant.
Genome position (GRCh38, 1-based): chr22:26,026,966, C>T. VCF-style: chr22-26026966-C-T. GRCh37 (hg19) VCF-style: chr22-26422932-C-T.
Other names: c.6995C>T, p.Ser2332Leu (NM_001318245.2); short protein forms S2331L, S2332L.
Identifiers: ClinVar variation 4874942 (VCV004874942.2).
Genomic context (GRCh38, chr22:26,026,966, plus strand): 5'-TGGAAATCGAAGGGGCCGCTGGTGGTCTCTTGAGGTCCACCAGCCTCAAATGCATCTCTT[C>T]AGACGGTGTTGGGGGCACAACCCTACTCCCCGAAAAGTCGAAAACCCAATTCAGTTCCTG-3'
Protein context (NP_115997.5, residues 2321-2341): LRSTSLKCIS[Ser2331Leu]DGVGGTTLLP